The following is an entry in ClinVar:

NM_000277.3(PAH):c.1181A>C (p.Asp394Ala)

Gene: PAH (phenylalanine hydroxylase; minus strand). Cytogenetic location: 12q23.2.
Variant type: single nucleotide variant.
Coding change: c.1181A>C on transcript NM_000277.3 (MANE Select); coding-DNA position 1181, A replaced by C.
Protein change: p.Asp394Ala; replaces aspartic acid 394 with alanine.
Molecular consequence: missense variant.
Genome position (GRCh38, 1-based): chr12:102,843,664, T>G on the plus strand (A>C on the coding strand, the complement: PAH is on the minus strand). VCF-style: chr12-102843664-T-G. GRCh37 (hg19) VCF-style: chr12-103237442-T-G.
Other names: NM_000277.1(PAH):c.1181A>C; c.1181A>C, p.Asp394Ala (NM_001354304.2); short protein forms D394A.
Identifiers: ClinVar variation 102546 (VCV000102546.12), dbSNP rs62516102, ClinGen allele CA229372.

ClinVar aggregate classification (germline): Likely pathogenic. Review status: reviewed by expert panel (3 of 4 stars). 5 submissions from 5 submitters: Likely pathogenic (1). 4 of the submissions do not count toward it. Last evaluated 2020-08-17.

Conditions:
Phenylketonuria (PKU). Also called: Phenylketonuria (PKU); FOLLING DISEASE; OLIGOPHRENIA PHENYLPYRUVICA; Phenylketonurias. Identifiers: Orphanet 716, MedGen C0031485, MONDO:0009861, OMIM 261600. Disease mechanism: loss of function.

Allele frequency attached by ClinVar (database versions not stated): gnomAD exomes below 0.00001.
gnomAD v4.1: 2 of 1,613,760 alleles (0.00012%); highest among the groups gnomAD compares: Non-Finnish European, 0.00017%; no homozygotes.

Submissions (5):

ClinGen PAH Variant Curation Expert Panel
Classification: Likely pathogenic for Phenylketonuria. Last evaluated: 2020-08-17. Review status: reviewed by expert panel. Criteria: ClinGen PAH ACMG Specifications v1. Collection method: curation. Allele origin: germline. Inheritance: Autosomal recessive inheritance.
Comment: The c.1181A>C (p.Asp394Ala) variant in PAH has been reported in multiple Sicilian individuals with PAH deficiency (BH4 deficiency excluded, PMID: 8268925). This variant is absent in population databases. This variant was detected with pathogenic variants: p.R261Q (PMID: 8830172); IVS4+5G>T (PMID: 21837404). Computational evidence support a deleterious effect. In summary, this variant meets criteria to be classified as likely pathogenic for PAH. PAH-specific ACMG/AMP criteria applied: PP4_Moderate, PM2, PM3, PP3.

Labcorp Genetics (formerly Invitae), Labcorp
Classification: Pathogenic for Phenylketonuria. Last evaluated: 2025-08-15. Review status: criteria provided, single submitter. Criteria: Invitae Variant Classification Sherloc (09022015). Collection method: clinical testing. Allele origin: germline. Not counted in ClinVar's aggregate classification.
Comment: This sequence change replaces aspartic acid, which is acidic and polar, with alanine, which is neutral and non-polar, at codon 394 of the PAH protein (p.Asp394Ala). This variant is not present in population databases (gnomAD no frequency). This missense change has been observed in individual(s) with clinical features of hyperphenylalaninemia (PMID: 8268925, 8830172, 9634518, 32668217). ClinVar contains an entry for this variant (Variation ID: 102546). Invitae Evidence Modeling of protein sequence and biophysical properties (such as structural, functional, and spatial information, amino acid conservation, physicochemical variation, residue mobility, and thermodynamic stability) indicates that this missense variant is not expected to disrupt PAH protein function with a negative predictive value of 80%. This variant disrupts the p.Asp394 amino acid residue in PAH. Other variant(s) that disrupt this residue have been determined to be pathogenic (PMID: 8889590, 26666653, 31355225). This suggests that this residue is clinically significant, and that variants that disrupt this residue are likely to be disease-causing. For these reasons, this variant has been classified as Pathogenic.

Women's Health and Genetics/Laboratory Corporation of America, LabCorp
Classification: Likely pathogenic for Phenylketonuria. Last evaluated: 2025-07-18. Review status: criteria provided, single submitter. Criteria: LabCorp Variant Classification Summary - May 2015. Collection method: clinical testing. Allele origin: germline. Not counted in ClinVar's aggregate classification.
Comment: Variant summary: PAH c.1181A>C (p.Asp394Ala) results in a non-conservative amino acid change located in the Eukaryotic phenylalanine-4-hydroxylase, catalytic domain (IPR041912) of the encoded protein sequence. Algorithms developed to predict the effect of missense changes on protein structure and function all suggest that this variant is likely to be disruptive. The variant was absent in 251306 control chromosomes. c.1181A>C has been observed in individuals affected with Phenylalanine Hydroxylase Deficiency (e.g. Guldberg_1993, Romano_1996, Amorini_2012, Hillert_2020). These data indicate that the variant may be associated with disease. To our knowledge, no experimental evidence demonstrating an impact on protein function has been reported. However, a different variant affecting the same codon has been classified as pathogenic by our lab (c.1180G>C, p.Asp394His), supporting the critical relevance of codon 394 to PAH protein function. The following publications have been ascertained in the context of this evaluation (PMID: 21837404, 8268925, 32668217, 8830172). ClinVar contains an entry for this variant (Variation ID: 102546). Based on the evidence outlined above, the variant was classified as likely pathogenic.

Myriad Genetics, Inc.
Classification: Likely pathogenic for Phenylketonuria. Last evaluated: 2025-03-19. Review status: criteria provided, single submitter. Criteria: Myriad Autosomal Dominant, Autosomal Recessive and X-Linked Classification Criteria (2023). Collection method: clinical testing. Allele origin: unknown. Not counted in ClinVar's aggregate classification.
Comment: NM_000277.1(PAH):c.1181A>C(D394A) is a missense variant classified as likely pathogenic in the context of phenylalanine hydroxylase deficiency. D394A has been observed in cases with relevant disease (PMID: 8830172, 32668217, Akal_2019_(Thesis), 32668217). Relevant functional assessments of this variant are not available in the literature. D394A has not been observed in referenced population frequency databases. In summary, NM_000277.1(PAH):c.1181A>C(D394A) is a missense variant that has been observed more frequently in cases with the relevant disease than in healthy populations. Please note: this variant was assessed in the context of healthy population screening.

DeBelle Laboratory for Biochemical Genetics, MUHC/MCH RESEARCH INSTITUTE
No classification provided. Review status: no classification provided. Collection method: not provided. Allele origin: not provided. Not counted in ClinVar's aggregate classification.

Literature cited by the submitters: PubMed 8830172 (cited by 3 submitters); PubMed 8268925 (cited by 3 submitters); PubMed 9634518 (cited by Labcorp Genetics (formerly Invitae), Labcorp); PubMed 32668217 (cited by Labcorp Genetics (formerly Invitae), Labcorp and Women's Health and Genetics/Laboratory Corporation of America, LabCorp); PubMed 8889590 (cited by Labcorp Genetics (formerly Invitae), Labcorp); PubMed 26666653 (cited by Labcorp Genetics (formerly Invitae), Labcorp); PubMed 31355225 (cited by Labcorp Genetics (formerly Invitae), Labcorp); PubMed 21837404 (cited by Women's Health and Genetics/Laboratory Corporation of America, LabCorp).